The following is an entry in ClinVar:

ClinVar aggregate classification (germline): Uncertain significance (1 of 4 stars; one submission).

Allele frequency attached by ClinVar (database versions not stated): TOPMed below 0.00001.

Submission:

Labcorp Genetics (formerly Invitae), Labcorp
Classification: Uncertain significance. Last evaluated: 2022-08-02. Review status: criteria provided, single submitter. Criteria: Invitae Variant Classification Sherloc (09022015). Collection method: clinical testing. Allele origin: germline.
Comment: This sequence change replaces proline, which is neutral and non-polar, with leucine, which is neutral and non-polar, at codon 65 of the HK1 protein (p.Pro65Leu). This variant is present in population databases (no rsID available, gnomAD 0.007%). This variant has not been reported in the literature in individuals affected with HK1-related conditions. Algorithms developed to predict the effect of missense changes on protein structure and function are either unavailable or do not agree on the potential impact of this missense change (SIFT: "Tolerated"; PolyPhen-2: "Probably Damaging"; Align-GVGD: "Class C0"). In summary, the available evidence is currently insufficient to determine the role of this variant in disease. Therefore, it has been classified as a Variant of Uncertain Significance.

NM_000188.3(HK1):c.194C>T (p.Pro65Leu)

Gene: HK1 (hexokinase 1; plus strand). Cytogenetic location: 10q22.1.
Variant type: single nucleotide variant.
Coding change: c.194C>T on transcript NM_000188.3 (MANE Select); coding-DNA position 194, C replaced by T.
Protein change: p.Pro65Leu; replaces proline 65 with leucine.
Molecular consequence: missense variant.
Genome position (GRCh38, 1-based): chr10:69,343,957, C>T. VCF-style: chr10-69343957-C-T. GRCh37 (hg19) VCF-style: chr10-71103713-C-T.
Other names: c.191C>T, p.Pro64Leu (NM_033496.3); c.206C>T, p.Pro69Leu (NM_033497.3, NM_033498.3, NM_001322364.2 and 1 more transcripts); c.158C>T, p.Pro53Leu (NM_033500.2); c.299C>T, p.Pro100Leu (NM_001322365.2); c.110C>T, p.Pro37Leu (NM_001322366.1); c.194C>T, p.Pro65Leu (NM_001322367.1); short protein forms P100L, P37L, P53L, P64L, P65L, P69L.
Identifiers: ClinVar variation 1714862 (VCV001714862.5), dbSNP rs1484483549, ClinGen allele CA376907612.